The following is an entry in ClinVar:

ClinVar aggregate classification (germline): Conflicting classifications of pathogenicity. Review status: criteria provided, conflicting classifications (1 of 4 stars). 6 submissions from 6 submitters: Uncertain significance (5); Likely benign (1). Last evaluated 2025-12-02.

Conditions:
DK1-congenital disorder of glycosylation. Also called: CONGENITAL DISORDER OF GLYCOSYLATION, TYPE Im; CDG Im; DK1 DEFICIENCY; DOLICHOL KINASE DEFICIENCY; DOLK-congenital disorder of glycosylation; Carbohydrate deficient glycoprotein syndrome type 1m. Identifiers: Orphanet 91131, MedGen C1835849, MONDO:0012556, OMIM 610768.
Cardiovascular phenotype. Identifiers: MedGen CN230736.
Hypertrophic cardiomyopathy 26. Also called: Cardiomyopathy, familial hypertrophic, 26. Identifiers: Orphanet 75249, MedGen C4310749, MONDO:0014883, OMIM 617047.

Allele frequency attached by ClinVar (database versions not stated): gnomAD 0.00015 and 0.00018; TOPMed 0.00016; gnomAD exomes 0.00017 and 0.00018; 1000 Genomes Project 0.00020; ExAC 0.00023; 1000 Genomes Project 30x 0.00031; ESP Exome Variant Server 0.00046.

Submissions (6):

Ambry Genetics
Classification: Uncertain significance for Cardiovascular phenotype. Last evaluated: 2025-12-02. Review status: criteria provided, single submitter. Criteria: Ambry Variant Classification Scheme 2023. Collection method: clinical testing. Allele origin: germline.
Comment: The p.A442T variant (also known as c.1324G>A), located in coding exon 1 of the DOLK gene, results from a G to A substitution at nucleotide position 1324. The alanine at codon 442 is replaced by threonine, an amino acid with similar properties. This variant was reported in a sudden infant death case with limited clinical information provided (Neubauer J et al. Eur. J. Hum. Genet., 2017 04;25:404-409). This amino acid position is well conserved in available vertebrate species. In addition, this alteration is predicted to be tolerated by in silico analysis. Since supporting evidence is limited at this time, the clinical significance of this alteration remains unclear.

Molecular Diagnostic Laboratory for Inherited Cardiovascular Disease, Montreal Heart Institute
Classification: Likely benign. Last evaluated: 2025-04-09. Review status: criteria provided, single submitter. Criteria: ACMG Guidelines, 2015. Collection method: clinical testing. Allele origin: germline. Affected: no.
Comment: BS1

Clinical Genomics Laboratory, Washington University in St. Louis
Classification: Uncertain significance for Hypertrophic cardiomyopathy 26. Last evaluated: 2024-11-19. Review status: criteria provided, single submitter. Criteria: ACMG Guidelines, 2015. Collection method: clinical testing. Allele origin: germline.
Comment: A DOLK c.1324G>A (p.Ala442Thr) variant was identified in a heterozygous state. This variant has been reported in the literature in an infant with sudden death (Neubauer J et al., PMID: 28074886). The DOLK c.1324G>A (p.Ala442Thr) variant has been reported in the ClinVar database as uncertain significance by four submitters (ClinVar variation ID: 464196) . Computational predictors suggest that the variant does not impact DOLK function. Due to limited information, the clinical significance of this DOLK c.1324G>A (p.Ala442Thr) variant is uncertain at this time.

Labcorp Genetics (formerly Invitae), Labcorp
Classification: Uncertain significance for DK1-congenital disorder of glycosylation. Last evaluated: 2022-08-23. Review status: criteria provided, single submitter. Criteria: Invitae Variant Classification Sherloc (09022015). Collection method: clinical testing. Allele origin: germline.
Comment: This sequence change replaces alanine, which is neutral and non-polar, with threonine, which is neutral and polar, at codon 442 of the DOLK protein (p.Ala442Thr). This variant is present in population databases (rs143641133, gnomAD 0.03%). This variant has not been reported in the literature in individuals affected with DOLK-related conditions. ClinVar contains an entry for this variant (Variation ID: 464196). Algorithms developed to predict the effect of missense changes on protein structure and function are either unavailable or do not agree on the potential impact of this missense change (SIFT: "Deleterious"; PolyPhen-2: "Benign"; Align-GVGD: "Class C0"). In summary, the available evidence is currently insufficient to determine the role of this variant in disease. Therefore, it has been classified as a Variant of Uncertain Significance.

Fulgent Genetics
Classification: Uncertain significance for DK1-congenital disorder of glycosylation. Last evaluated: 2021-10-05. Review status: criteria provided, single submitter. Criteria: ACMG Guidelines, 2015. Collection method: clinical testing. Allele origin: unknown.

Laboratory for Molecular Medicine, Mass General Brigham Personalized Medicine
Classification: Uncertain significance. Last evaluated: 2017-01-30. Review status: criteria provided, single submitter. Criteria: LMM Criteria. Collection method: clinical testing. Allele origin: germline. Observed: 1 variant allele.
Comment: The p.Ala442Thr variant in DOLK has not been previously reported in individuals with cardiomyopathy, but has been identified in 24/66724 European chromosomes by the Exome Aggregation Consortium (ExAC; dbSNP r s143641133). Computational prediction tools and conservation analysis do not pro vide strong support for or against an impact to the protein. In summary, the cli nical significance of the p.Ala442Thr variant is uncertain.

Literature cited by the submitters: PubMed 28074886 (cited by Ambry Genetics).

NM_014908.4(DOLK):c.1324G>A (p.Ala442Thr)

Gene: DOLK (dolichol kinase; minus strand). Cytogenetic location: 9q34.11.
Variant type: single nucleotide variant.
Coding change: c.1324G>A on transcript NM_014908.4 (MANE Select); coding-DNA position 1324, G replaced by A.
Protein change: p.Ala442Thr; replaces alanine 442 with threonine.
Molecular consequence: missense variant.
Genome position (GRCh38, 1-based): chr9:128,945,980, C>T on the plus strand (G>A on the coding strand, the complement: DOLK is on the minus strand). VCF-style: chr9-128945980-C-T. GRCh37 (hg19) VCF-style: chr9-131708259-C-T.
Other names: short protein forms A442T.
Identifiers: ClinVar variation 464196 (VCV000464196.16), dbSNP rs143641133, ClinGen allele CA5271586.